The following is an entry in ClinVar:

ClinVar aggregate classification (germline): Pathogenic (1 of 4 stars; one submission).

Conditions:
Neuropathy, hereditary sensory and autonomic, type 2A (HSAN2A). Also called: ACROOSTEOLYSIS, GIACCAI TYPE; ACROOSTEOLYSIS, NEUROGENIC; MORVAN DISEASE; NEUROPATHY, CONGENITAL SENSORY; NEUROPATHY, HEREDITARY SENSORY RADICULAR, AUTOSOMAL RECESSIVE; NEUROPATHY, HEREDITARY SENSORY, TYPE IIA. Identifiers: Orphanet 970, MedGen C2752089, MONDO:0024309, OMIM 201300.
Pseudohypoaldosteronism type 2C (PHA2C). Also called: Pseudohypoaldosteronism Type IIC. Identifiers: Orphanet 757, Orphanet 88940, MedGen C1840391, MONDO:0013778, OMIM 614492.

Submission:

Labcorp Genetics (formerly Invitae), Labcorp
Classification: Pathogenic for Neuropathy, hereditary sensory and autonomic, type 2A; Pseudohypoaldosteronism type 2C. Last evaluated: 2022-09-14. Review status: criteria provided, single submitter. Criteria: Invitae Variant Classification Sherloc (09022015). Collection method: clinical testing. Allele origin: germline.
Comment: This sequence change creates a premature translational stop signal (p.Thr2009Asnfs*2) in the WNK1 gene. It is expected to result in an absent or disrupted protein product. Loss-of-function variants in WNK1 are known to be pathogenic (PMID: 22910560). This variant is not present in population databases (gnomAD no frequency). This variant has not been reported in the literature in individuals affected with WNK1-related conditions. For these reasons, this variant has been classified as Pathogenic.

Literature cited by the submitters: PubMed 22910560.

NM_018979.4(WNK1):c.5267dup (p.Thr1757fs)

Gene: WNK1 (WNK lysine deficient protein kinase 1; plus strand). Cytogenetic location: 12p13.33.
Variant type: Duplication.
Coding change: c.5267dup on transcript NM_018979.4 (MANE Select); coding-DNA position 5267, one base duplicated (T; older notation c.5267dupT).
Protein change: p.Thr1757fs; shifts the reading frame from threonine 1757.
Molecular consequence: frameshift variant.
Genome position (GRCh38, 1-based): chr12:886,071, T duplicated. VCF-style (leftmost placement, unchanged base first): chr12-886070-C-CT. GRCh37 (hg19) VCF-style: chr12-995236-C-CT.
Other names: c.6047dup, p.Thr2017fs (NM_001184985.2); c.4526dup, p.Thr1510fs (NM_014823.3); c.6023dup, p.Thr2009fs (NM_213655.5); short protein forms T2017fs, T1510fs, T1757fs, T2009fs.
Identifiers: ClinVar variation 2030440 (VCV002030440.4), dbSNP rs2497153317, ClinGen allele CA2580086226.